The following is an entry in ClinVar:

ClinVar aggregate classification (germline): Uncertain significance. Review status: criteria provided, multiple submitters, no conflicts (2 of 4 stars). 2 submissions from 2 submitters: Uncertain significance (2). Last evaluated 2024-01-08.

Conditions:
Inborn genetic diseases. Identifiers: MedGen C0950123, MeSH D030342.

Allele frequency attached by ClinVar (database versions not stated): gnomAD exomes below 0.00001; TOPMed below 0.00001; gnomAD 0.00001.
gnomAD v4.1: 2 of 1,610,850 alleles (0.00012%); highest among the groups gnomAD compares: African/African-American, 0.0027%; no homozygotes.

Submissions (2):

Ambry Genetics
Classification: Uncertain significance for Inborn genetic diseases. Last evaluated: 2024-01-08. Review status: criteria provided, single submitter. Criteria: Ambry Variant Classification Scheme 2023. Collection method: clinical testing. Allele origin: germline.

Labcorp Genetics (formerly Invitae), Labcorp
Classification: Uncertain significance. Last evaluated: 2022-12-27. Review status: criteria provided, single submitter. Criteria: Invitae Variant Classification Sherloc (09022015). Collection method: clinical testing. Allele origin: germline.
Comment: In summary, the available evidence is currently insufficient to determine the role of this variant in disease. Therefore, it has been classified as a Variant of Uncertain Significance. Advanced modeling of protein sequence and biophysical properties (such as structural, functional, and spatial information, amino acid conservation, physicochemical variation, residue mobility, and thermodynamic stability) performed at Invitae indicates that this missense variant is expected to disrupt GATAD2B protein function. This variant has not been reported in the literature in individuals affected with GATAD2B-related conditions. This variant is present in population databases (no rsID available, gnomAD 0.007%). This sequence change replaces leucine, which is neutral and non-polar, with phenylalanine, which is neutral and non-polar, at codon 9 of the GATAD2B protein (p.Leu9Phe).

NM_020699.4(GATAD2B):c.25C>T (p.Leu9Phe)

Gene: GATAD2B (GATA zinc finger domain containing 2B; minus strand). Cytogenetic location: 1q21.3.
Variant type: single nucleotide variant.
Coding change: c.25C>T on transcript NM_020699.4 (MANE Select); coding-DNA position 25, C replaced by T.
Protein change: p.Leu9Phe; replaces leucine 9 with phenylalanine.
Molecular consequence: missense variant.
Genome position (GRCh38, 1-based): chr1:153,828,323, G>A on the plus strand (C>T on the coding strand, the complement: GATAD2B is on the minus strand). VCF-style: chr1-153828323-G-A. GRCh37 (hg19) VCF-style: chr1-153800799-G-A.
Other names: c.25C>T (NM_020699.2); short protein forms L9F.
Identifiers: ClinVar variation 2081749 (VCV002081749.5), dbSNP rs1370837059, ClinGen allele CA342542308.
Genomic context (GRCh38, chr1:153,828,323, plus strand): 5'-CCAGGACATCATCTCGCTCATCTGCTGGGTCCAAGCTCCGCTTCAACAGATTCAAGCGAA[G>A]AGCATCTTCTGTCATTCTATCCATCCTATGGAAAGAAAAATACAAGTAAGATCAGAATAA-3'
Protein context (NP_065750.1, residues 1-19): MDRMTEDA[Leu9Phe]RLNLLKRSLD